The following is an entry in ClinVar:

NM_020831.6(MRTFA):c.1826G>A (p.Cys609Tyr)

Gene: MRTFA (myocardin related transcription factor A; minus strand). Cytogenetic location: 22q13.1.
Variant type: single nucleotide variant.
Coding change: c.1826G>A on transcript NM_020831.6 (MANE Select); coding-DNA position 1826, G replaced by A.
Protein change: p.Cys609Tyr; replaces cysteine 609 with tyrosine.
Molecular consequence: missense variant.
Genome position (GRCh38, 1-based): chr22:40,418,912, C>T on the plus strand (G>A on the coding strand, the complement: MRTFA is on the minus strand). VCF-style: chr22-40418912-C-T. GRCh37 (hg19) VCF-style: chr22-40814916-C-T.
Other names: c.1526G>A, p.Cys509Tyr (NM_001282660.2); c.1676G>A, p.Cys559Tyr (NM_001282661.3); c.1826G>A, p.Cys609Tyr (NM_001282662.3); c.1631G>A, p.Cys544Tyr (NM_001318139.2); c.1526G>A (NM_020831.3); short protein forms C544Y, C609Y, C509Y, C559Y.
Identifiers: ClinVar variation 2959221 (VCV002959221.4), dbSNP rs564479912, ClinGen allele CA10249535.
Genomic context (GRCh38, chr22:40,418,912, plus strand): 5'-TCCTGCAGCATCTGGTCCTTGTCGCGCCCCTCTAGCTCCGCCCGCCCCCCAGGGCTCAGG[C>T]AACAGGACCCGGCCCGGGGGCCCTCCTCCTTCACGAGGATCTGCAGTGGCGAGGCCTGCA-3'
Protein context (NP_065882.2, residues 599-619): KEEGPRAGSC[Cys609Tyr]LSPGGRAELE

ClinVar aggregate classification (germline): Uncertain significance. Review status: criteria provided, multiple submitters, no conflicts (2 of 4 stars). 2 submissions from 2 submitters: Uncertain significance (2). Last evaluated 2025-09-09.

Allele frequency attached by ClinVar (database versions not stated): gnomAD 0.00001; TOPMed 0.00001; ExAC 0.00002; gnomAD exomes 0.00002; 1000 Genomes Project 30x 0.00016; 1000 Genomes Project 0.00020.
gnomAD v4.1: 22 of 1,612,846 alleles (0.0014%); highest among the groups gnomAD compares: South Asian, 0.0022%; no homozygotes.

Submissions (2):

Ambry Genetics
Classification: Uncertain significance. Last evaluated: 2025-09-09. Review status: criteria provided, single submitter. Criteria: Ambry Variant Classification Scheme 2023. Collection method: clinical testing. Allele origin: germline.

Labcorp Genetics (formerly Invitae), Labcorp
Classification: Uncertain significance. Last evaluated: 2024-06-25. Review status: criteria provided, single submitter. Criteria: Invitae Variant Classification Sherloc (09022015). Collection method: clinical testing. Allele origin: germline.
Comment: This sequence change replaces cysteine, which is neutral and slightly polar, with tyrosine, which is neutral and polar, at codon 509 of the MKL1 protein (p.Cys509Tyr). This variant is present in population databases (rs564479912, gnomAD 0.007%). This variant has not been reported in the literature in individuals affected with MKL1-related conditions. An algorithm developed to predict the effect of missense changes on protein structure and function (PolyPhen-2) suggests that this variant is likely to be disruptive. In summary, the available evidence is currently insufficient to determine the role of this variant in disease. Therefore, it has been classified as a Variant of Uncertain Significance.